The following is an entry in ClinVar:

NM_000492.4(CFTR):c.2215G>A (p.Val739Ile)

Gene: CFTR (CF transmembrane conductance regulator; plus strand). Cytogenetic location: 7q31.2.
Variant type: single nucleotide variant.
Coding change: c.2215G>A on transcript NM_000492.4 (MANE Select); coding-DNA position 2215, G replaced by A.
Protein change: p.Val739Ile; replaces valine 739 with isoleucine.
Molecular consequence: missense variant.
Genome position (GRCh38, 1-based): chr7:117,592,382, G>A. VCF-style: chr7-117592382-G-A. GRCh37 (hg19) VCF-style: chr7-117232436-G-A.
Other names: short protein forms V739I.
Identifiers: ClinVar variation 3491600 (VCV003491600.2).

ClinVar aggregate classification (germline): Uncertain significance. Review status: criteria provided, multiple submitters, no conflicts (2 of 4 stars). 2 submissions from 2 submitters: Uncertain significance (2). Last evaluated 2026-06-26.

Conditions:
Cystic fibrosis (CF). Also called: MUCOVISCIDOSIS. Identifiers: Orphanet 586, MedGen C0010674, MONDO:0009061, OMIM 219700. Disease mechanism: loss of function.

gnomAD v4.1: 7 of 1,614,032 alleles (0.00043%); highest among the groups gnomAD compares: Non-Finnish European, 0.00059%; no homozygotes.

Submissions (2):

Women's Health and Genetics/Laboratory Corporation of America, LabCorp
Classification: Uncertain significance. Last evaluated: 2026-06-26. Review status: criteria provided, single submitter. Criteria: LabCorp Variant Classification Summary - May 2015. Collection method: clinical testing. Allele origin: germline.

Ambry Genetics
Classification: Uncertain significance for Cystic fibrosis. Last evaluated: 2024-08-29. Review status: criteria provided, single submitter. Criteria: Ambry Variant Classification Scheme 2023. Collection method: clinical testing. Allele origin: germline.
Comment: The p.V739I variant (also known as c.2215G>A), located in coding exon 14 of the CFTR gene, results from a G to A substitution at nucleotide position 2215. The valine at codon 739 is replaced by isoleucine, an amino acid with highly similar properties. This amino acid position is well conserved in available vertebrate species. In addition, the in silico prediction for this alteration is inconclusive. Based on the available evidence, the clinical significance of this variant remains unclear.